The following is an entry in ClinVar:

ClinVar aggregate classification (germline): Benign/Likely benign. Review status: criteria provided, multiple submitters, no conflicts (2 of 4 stars). 6 submissions from 6 submitters: Benign (1); Likely benign (5). Last evaluated 2025-11-26.

Conditions:
Cardiomyopathy (CMYO). Also called: Cardiomyopathies. Identifiers: Orphanet 167848, MedGen C0878544, MONDO:0004994, HP:0001638. Inheritance: Various modes of inheritance.
Hypertrophic cardiomyopathy. Also called: HYPERTROPHIC MYOCARDIOPATHY. Identifiers: Orphanet 217569, MedGen C0007194, MeSH D002312, MONDO:0005045, HP:0001639.
Cardiovascular phenotype. Identifiers: MedGen CN230736.

Allele frequency attached by ClinVar (database versions not stated): gnomAD exomes below 0.00001 and 0.00001; TOPMed 0.00002; gnomAD 0.00003 and 0.00004.
gnomAD v4.1: 24 of 1,613,214 alleles (0.0015%); highest among the groups gnomAD compares: Non-Finnish European, 0.0017%; no homozygotes.

Submissions (6):

Labcorp Genetics (formerly Invitae), Labcorp
Classification: Likely benign for Hypertrophic cardiomyopathy. Last evaluated: 2025-11-26. Review status: criteria provided, single submitter. Criteria: Invitae Variant Classification Sherloc (09022015). Collection method: clinical testing. Allele origin: germline.

Molecular Diagnostic Laboratory for Inherited Cardiovascular Disease, Montreal Heart Institute
Classification: Likely benign. Last evaluated: 2025-04-09. Review status: criteria provided, single submitter. Criteria: ACMG Guidelines, 2015. Collection method: clinical testing. Allele origin: germline. Affected: no.

All of Us Research Program, National Institutes of Health
Classification: Likely benign for Cardiomyopathy. Last evaluated: 2023-12-13. Review status: criteria provided, single submitter. Criteria: ACMG Guidelines, 2015. Collection method: clinical testing. Allele origin: germline. Inheritance: Autosomal dominant inheritance. Observed: 14 variant alleles, 14 heterozygotes.
Comment: This study involves interpretation of variants in research participants for the purpose of population health screening. Participant phenotype was not available at the time of variant classification. Additional details can be found in publication PMID: 35346344, PMCID: PMC8962531

Color Diagnostics, LLC DBA Color Health
Classification: Likely benign for Cardiomyopathy. Last evaluated: 2018-11-25. Review status: criteria provided, single submitter. Criteria: ACMG Guidelines, 2015. Collection method: clinical testing. Allele origin: germline.

Ambry Genetics
Classification: Likely benign for Cardiovascular phenotype. Last evaluated: 2016-11-10. Review status: criteria provided, single submitter. Criteria: Ambry Variant Classification Scheme 2023. Collection method: clinical testing. Allele origin: germline.

GeneDx
Classification: Benign. Last evaluated: 2015-03-03. Review status: criteria provided, single submitter. Criteria: GeneDx Variant Classification Process June 2021. Collection method: clinical testing. Allele origin: germline. Affected: yes.

NM_000257.4(MYH7):c.4158C>T (p.Leu1386=)

Gene: MYH7 (myosin heavy chain 7; minus strand). Cytogenetic location: 14q11.2.
Variant type: single nucleotide variant.
Coding change: c.4158C>T on transcript NM_000257.4 (MANE Select); coding-DNA position 4158, C replaced by T.
Protein change: p.Leu1386=; no amino-acid change (leucine 1386 retained).
Molecular consequence: synonymous variant.
Genome position (GRCh38, 1-based): chr14:23,418,221, G>A on the plus strand (C>T on the coding strand, the complement: MYH7 is on the minus strand). VCF-style: chr14-23418221-G-A. GRCh37 (hg19) VCF-style: chr14-23887430-G-A.
Other names: c.4158C>T (LRG_384t1).
Identifiers: ClinVar variation 312899 (VCV000312899.25), dbSNP rs886050418, ClinGen allele CA10634753.